The following is an entry in ClinVar:

NM_001110556.2(FLNA):c.7281_7282dup (p.Asp2428fs)

Gene: FLNA (filamin A; minus strand). Cytogenetic location: Xq28.
Variant type: Duplication.
Coding change: c.7281_7282dup on transcript NM_001110556.2 (MANE Select); coding-DNA positions 7281 to 7282, 2 bases duplicated (GG; older notation c.7281_7282dupGG).
Protein change: p.Asp2428fs; shifts the reading frame from aspartic acid 2428.
Molecular consequence: frameshift variant.
Genome position (GRCh38, 1-based): chrX:154,350,082-154,350,083, CC duplicated on the plus strand (GG on the coding strand, the reverse complement: FLNA is on the minus strand); duplicating any 2 consecutive bases within chrX:154,350,082-154,350,085 gives the same sequence; the c. name uses the placement nearest the transcript's 3' end. VCF-style (leftmost placement, unchanged base first): chrX-154350081-T-TCC. GRCh37 (hg19) VCF-style: chrX-153578449-T-TCC.
Other names: c.7257_7258dup, p.Asp2420fs (NM_001456.4); short protein forms D2420fs, D2428fs.
Identifiers: ClinVar variation 4997866 (VCV004997866.1).
Genomic context (GRCh38, chrX:154,350,081, plus strand): 5'-ACAGACTTACCTGTGACACCGCCTTCCAGACCTGCTCCGTAAGCAGACACCAAGCCTGGG[T>TCC]CCCCTCCATGCCCAGGCTCCCCAACTCGGATCTTGAAGGGGCTTCCAGGGATGTGGGTGC-3'

ClinVar aggregate classification (germline): Likely pathogenic (1 of 4 stars; one submission).

Conditions:
FLNA-related disorder.

Submission:

PreventionGenetics, part of Exact Sciences
Classification: Likely pathogenic for FLNA-related condition. Last evaluated: 2025-07-28. Review status: criteria provided, single submitter. Criteria: ACMG Guidelines, 2015. Collection method: clinical testing. Allele origin: germline.
Comment: The FLNA c.7281_7282dupGG variant is predicted to result in a frameshift and premature protein termination (p.Asp2428Glyfs*26). To our knowledge, this variant has not been reported in the literature or in a large population database (gnomAD), indicating this variant is rare. Frameshift variants in FLNA are expected to be pathogenic. This variant is interpreted as likely pathogenic.